The following is an entry in ClinVar:

ClinVar aggregate classification (germline): Likely benign (1 of 4 stars; one submission).

Conditions:
BBS1-related disorder. Also called: BBS1-related condition.

Submission:

PreventionGenetics, part of Exact Sciences
Classification: Likely benign for BBS1-related condition. Last evaluated: 2025-08-26. Review status: criteria provided, single submitter. Criteria: ACMG Guidelines, 2015. Collection method: clinical testing. Allele origin: germline.
Comment: This variant is classified as likely benign based on ACMG/AMP sequence variant interpretation guidelines (Richards et al. 2015 PMID: 25741868, with internal and published modifications).

NM_024649.5(BBS1):c.448T>C (p.Leu150=)

Gene: BBS1 (Bardet-Biedl syndrome 1; plus strand). Cytogenetic location: 11q13.2.
Variant type: single nucleotide variant.
Coding change: c.448T>C on transcript NM_024649.5 (MANE Select); coding-DNA position 448, T replaced by C.
Protein change: p.Leu150=; no amino-acid change (leucine 150 retained).
Molecular consequence: synonymous variant.
Genome position (GRCh38, 1-based): chr11:66,515,555, T>C. VCF-style: chr11-66515555-T-C. GRCh37 (hg19) VCF-style: chr11-66283026-T-C.
Identifiers: ClinVar variation 4998601 (VCV004998601.1).